The following is an entry in ClinVar:

ClinVar aggregate classification (germline): Likely benign. Review status: criteria provided, multiple submitters, no conflicts (2 of 4 stars). 3 submissions from 3 submitters: Likely benign (2). 1 of the submissions does not count toward it. Last evaluated 2022-12-31.

Conditions:
SPTBN2-related disorder. Also called: SPTBN2-related condition.

gnomAD v4.1: 41 of 1,613,080 alleles (0.0025%); highest among the groups gnomAD compares: Non-Finnish European, 0.0032%; no homozygotes.

Submissions (3):

Labcorp Genetics (formerly Invitae), Labcorp
Classification: Likely benign. Last evaluated: 2022-12-31. Review status: criteria provided, single submitter. Criteria: Invitae Variant Classification Sherloc (09022015). Collection method: clinical testing. Allele origin: germline.

CeGaT Center for Human Genetics Tuebingen
Classification: Likely benign. Last evaluated: 2022-03-01. Review status: criteria provided, single submitter. Criteria: CeGaT Center For Human Genetics Tuebingen Variant Classification Criteria Version 2. Collection method: clinical testing. Allele origin: germline. Affected: yes. Observed: 1 variant allele.
Comment: SPTBN2: BP4, BP7

PreventionGenetics, part of Exact Sciences
Classification: Likely benign for SPTBN2-related condition. Last evaluated: 2019-09-17. Review status: no assertion criteria provided. Collection method: clinical testing. Allele origin: germline. Not counted in ClinVar's aggregate classification.
Comment: This variant is classified as likely benign based on ACMG/AMP sequence variant interpretation guidelines (Richards et al. 2015 PMID: 25741868, with internal and published modifications).

NM_006946.4(SPTBN2):c.1341C>G (p.Leu447=)

Gene: SPTBN2 (spectrin beta, non-erythrocytic 2; minus strand). Cytogenetic location: 11q13.2.
Variant type: single nucleotide variant.
Coding change: c.1341C>G on transcript NM_006946.4 (MANE Select); coding-DNA position 1341, C replaced by G.
Protein change: p.Leu447=; no amino-acid change (leucine 447 retained).
Molecular consequence: synonymous variant.
Genome position (GRCh38, 1-based): chr11:66,708,150, G>C on the plus strand (C>G on the coding strand, the complement: SPTBN2 is on the minus strand). VCF-style: chr11-66708150-G-C. GRCh37 (hg19) VCF-style: chr11-66475621-G-C.
Other names: c.1362C>G, p.Leu454= (NM_001411025.1); c.1341C>G (NM_006946.2).
Identifiers: ClinVar variation 2186575 (VCV002186575.29), dbSNP rs377231549, ClinGen allele CA6129409.